The following is an entry in ClinVar:

ClinVar aggregate classification (germline): Benign/Likely benign. Review status: criteria provided, multiple submitters, no conflicts (2 of 4 stars). 12 submissions from 12 submitters: Benign (10); Likely benign (2). Last evaluated 2026-07-13.

Conditions:
Coffin-Siris syndrome. Identifiers: Orphanet 1465, MedGen C0265338, MONDO:0015452.
Intellectual disability, autosomal dominant 16 (CSS4). Also called: COFFIN-SIRIS SYNDROME 4. Identifiers: Orphanet 1465, MedGen C3553249, MONDO:0013821, OMIM 614609.
Rhabdoid tumor predisposition syndrome 2 (RTPS2). Identifiers: Orphanet 231108, Orphanet 69077, MedGen C2750074, MONDO:0013224, OMIM 613325.
Hereditary cancer-predisposing syndrome. Also called: Neoplastic Syndromes, Hereditary; Tumor predisposition; Hereditary Cancer Syndrome; Hereditary neoplastic syndrome. Identifiers: Orphanet 140162, MedGen C0027672, MeSH D009386, MONDO:0015356.

Allele frequency attached by ClinVar (database versions not stated): 1000 Genomes Project 30x 0.00172; ESP Exome Variant Server 0.00192; gnomAD 0.00229 and 0.00241; gnomAD exomes 0.00066; ExAC 0.00078; 1000 Genomes Project 0.00220; TOPMed 0.00240.
gnomAD v4.1: 828 of 1,613,788 alleles (0.051%); highest among the groups gnomAD compares: African/African-American, 0.85%; 13 homozygotes.

Submissions (12):

Myriad Genetics, Inc.
Classification: Benign for Rhabdoid tumor predisposition syndrome 2. Last evaluated: 2026-07-13. Review status: criteria provided, single submitter. Criteria: Myriad Autosomal Dominant, Autosomal Recessive and X-Linked Classification Criteria (2023). Collection method: clinical testing. Allele origin: unknown.
Comment: This variant is considered benign. This variant is a silent/synonymous amino acid change and it is not expected to impact splicing.

CeGaT Center for Human Genetics Tuebingen
Classification: Benign. Last evaluated: 2026-05-01. Review status: criteria provided, single submitter. Criteria: CeGaT Center For Human Genetics Tuebingen Variant Classification Criteria Version 2. Collection method: clinical testing. Allele origin: germline. Affected: yes. Observed: 10 variant alleles.
Comment: SMARCA4: BP4, BP7, BS1, BS2

Labcorp Genetics (formerly Invitae), Labcorp
Classification: Benign for Rhabdoid tumor predisposition syndrome 2. Last evaluated: 2026-02-03. Review status: criteria provided, single submitter. Criteria: Invitae Variant Classification Sherloc (09022015). Collection method: clinical testing. Allele origin: germline.

Quest Diagnostics Nichols Institute San Juan Capistrano
Classification: Benign. Last evaluated: 2025-07-28. Review status: criteria provided, single submitter. Criteria: Quest Diagnostics criteria. Collection method: clinical testing. Allele origin: unknown.

ARUP Laboratories, Molecular Genetics and Genomics, ARUP Laboratories
Classification: Benign. Last evaluated: 2025-05-01. Review status: criteria provided, single submitter. Criteria: ARUP Molecular Germline Variant Investigation Process 2024. Collection method: clinical testing. Allele origin: germline.

Blueprint Genetics
Classification: Likely benign. Last evaluated: 2024-11-11. Review status: criteria provided, single submitter. Criteria: ACMG Guidelines, 2015. Collection method: clinical testing. Allele origin: germline.

Genome-Nilou Lab
Classification: Benign for Intellectual disability, autosomal dominant 16. Last evaluated: 2021-07-15. Review status: criteria provided, single submitter. Criteria: ACMG Guidelines, 2015. Collection method: clinical testing. Allele origin: germline. Affected: no.

Sema4
Classification: Benign for Hereditary cancer-predisposing syndrome. Last evaluated: 2020-12-06. Review status: criteria provided, single submitter. Criteria: Sema4 Curation Guidelines. Collection method: curation. Allele origin: germline.

GeneDx
Classification: Likely benign. Last evaluated: 2020-11-30. Review status: criteria provided, single submitter. Criteria: GeneDx Variant Classification Process June 2021. Collection method: clinical testing. Allele origin: germline. Affected: yes.

Illumina Laboratory Services, Illumina
Classification: Benign for Coffin-Siris syndrome. Last evaluated: 2018-01-13. Review status: criteria provided, single submitter. Criteria: ICSL Variant Classification Criteria 13 December 2019. Collection method: clinical testing. Allele origin: germline.
Comment: This variant was observed in the ICSL laboratory as part of a predisposition screen in an ostensibly healthy population. It had not been previously curated by ICSL or reported in the Human Gene Mutation Database (HGMD: prior to June 1st, 2018), and was therefore a candidate for classification through an automated scoring system. Utilizing variant allele frequency, disease prevalence and penetrance estimates, and inheritance mode, an automated score was calculated to assess if this variant is too frequent to cause the disease. Based on the score and internal cut-off values, a variant classified as benign is not then subjected to further curation. The score for this variant resulted in a classification of benign for this disease.

Genetic Services Laboratory, University of Chicago
Classification: Benign. Last evaluated: 2016-02-18. Review status: criteria provided, single submitter. Criteria: ACMG Guidelines, 2015. Collection method: clinical testing. Allele origin: germline. Affected: no.

Ambry Genetics
Classification: Benign for Hereditary cancer-predisposing syndrome. Last evaluated: 2015-05-20. Review status: criteria provided, single submitter. Criteria: Ambry Variant Classification Scheme 2023. Collection method: clinical testing. Allele origin: germline.

NM_003072.5(SMARCA4):c.2757C>T (p.Pro919=)

Gene: SMARCA4 (SWI/SNF related BAF chromatin remodeling complex subunit ATPase 4; plus strand). Cytogenetic location: 19p13.2.
Variant type: single nucleotide variant.
Coding change: c.2757C>T on transcript NM_003072.5 (MANE Select); coding-DNA position 2757, C replaced by T.
Protein change: p.Pro919=; no amino-acid change (proline 919 retained).
Molecular consequence: synonymous variant. On other transcripts: non-coding transcript variant (1).
Genome position (GRCh38, 1-based): chr19:11,021,865, C>T. VCF-style: chr19-11021865-C-T. GRCh37 (hg19) VCF-style: chr19-11132541-C-T.
Other names: c.2757C>T, p.Pro919= (NM_001128844.3, NM_001128845.2, NM_001128846.2 and 5 more transcripts).
Identifiers: ClinVar variation 212243 (VCV000212243.60), dbSNP rs113955216, ClinGen allele CA208067.